The following is an entry in ClinVar:

NM_006440.5(TXNRD2):c.112C>T (p.Arg38Trp)

Gene: TXNRD2 (thioredoxin reductase 2; minus strand). Cytogenetic location: 22q11.21.
Variant type: single nucleotide variant.
Coding change: c.112C>T on transcript NM_006440.5 (MANE Select); coding-DNA position 112, C replaced by T.
Protein change: p.Arg38Trp; replaces arginine 38 with tryptophan.
Molecular consequence: missense variant. On other transcripts: 5 prime UTR variant (1), non-coding transcript variant (1).
Genome position (GRCh38, 1-based): chr22:19,931,090, G>A on the plus strand (C>T on the coding strand, the complement: TXNRD2 is on the minus strand). VCF-style: chr22-19931090-G-A. GRCh37 (hg19) VCF-style: chr22-19918613-G-A.
Other names: c.112C>T, p.Arg38Trp (NM_001282512.3); c.109C>T, p.Arg37Trp (NM_001352300.2); c.22C>T, p.Arg8Trp (NM_001352301.2); c.-177C>T (NM_001352302.2); c.16C>T, p.Arg6Trp (NM_001352303.2); short protein forms R37W, R38W, R6W, R8W.
Identifiers: ClinVar variation 1063454 (VCV001063454.9), dbSNP rs1044687486, ClinGen allele CA322108256.

ClinVar aggregate classification (germline): Uncertain significance. Review status: criteria provided, multiple submitters, no conflicts (2 of 4 stars). 2 submissions from 2 submitters: Uncertain significance (2). Last evaluated 2024-03-07.

Conditions:
Cardiovascular phenotype. Identifiers: MedGen CN230736.
Primary dilated cardiomyopathy (DCM). Also called: Dilated Cardiomyopathy. Identifiers: Orphanet 217604, MedGen C0007193, MeSH D002311, MONDO:0005021, HP:0001644. Inheritance: Various modes of inheritance.

Allele frequency attached by ClinVar (database versions not stated): gnomAD 0.00002; gnomAD exomes 0.00002; TOPMed 0.00002.

Submissions (2):

Ambry Genetics
Classification: Uncertain significance for Cardiovascular phenotype. Last evaluated: 2024-03-07. Review status: criteria provided, single submitter. Criteria: Ambry Variant Classification Scheme 2023. Collection method: clinical testing. Allele origin: germline.
Comment: The p.R38W variant (also known as c.112C>T), located in coding exon 2 of the TXNRD2 gene, results from a C to T substitution at nucleotide position 112. The arginine at codon 38 is replaced by tryptophan, an amino acid with dissimilar properties. This amino acid position is conserved. In addition, this alteration is predicted to be tolerated by in silico analysis. Since supporting evidence is limited at this time, the clinical significance of this alteration remains unclear.

Labcorp Genetics (formerly Invitae), Labcorp
Classification: Uncertain significance for Primary dilated cardiomyopathy. Last evaluated: 2023-10-03. Review status: criteria provided, single submitter. Criteria: Invitae Variant Classification Sherloc (09022015). Collection method: clinical testing. Allele origin: germline.
Comment: This sequence change replaces arginine, which is basic and polar, with tryptophan, which is neutral and slightly polar, at codon 38 of the TXNRD2 protein (p.Arg38Trp). This variant is present in population databases (no rsID available, gnomAD 0.01%). This variant has not been reported in the literature in individuals affected with TXNRD2-related conditions. ClinVar contains an entry for this variant (Variation ID: 1063454). Advanced modeling of protein sequence and biophysical properties (such as structural, functional, and spatial information, amino acid conservation, physicochemical variation, residue mobility, and thermodynamic stability) performed at Invitae indicates that this missense variant is not expected to disrupt TXNRD2 protein function. Algorithms developed to predict the effect of sequence changes on RNA splicing suggest that this variant may disrupt the consensus splice site. In summary, the available evidence is currently insufficient to determine the role of this variant in disease. Therefore, it has been classified as a Variant of Uncertain Significance.